The following is an entry in ClinVar:

ClinVar aggregate classification (germline): Uncertain significance (1 of 4 stars; one submission).

gnomAD v4.1: 2 of 1,612,626 alleles (0.00012%); highest among the groups gnomAD compares: Non-Finnish European, 0.00017%; no homozygotes.

Submission:

Women's Health and Genetics/Laboratory Corporation of America, LabCorp
Classification: Uncertain significance. Last evaluated: 2024-03-01. Review status: criteria provided, single submitter. Criteria: LabCorp Variant Classification Summary - May 2015. Collection method: clinical testing. Allele origin: germline.
Comment: Variant summary: COL18A1 c.3955G>T (p.Ala1319Ser) results in a conservative amino acid change in the encoded protein sequence. Three of three in-silico tools predict a benign effect of the variant on protein function. The variant was absent in 246314 control chromosomes. The available data on variant occurrences in the general population are insufficient to allow any conclusion about variant significance. To our knowledge, no occurrence of c.3955G>T in individuals affected with Knobloch Syndrome 1 and no experimental evidence demonstrating its impact on protein function have been reported. No submitters have cited clinical-significance assessments for this variant to ClinVar. Based on the evidence outlined above, the variant was classified as uncertain significance.

NM_001379500.1(COL18A1):c.3955G>T (p.Ala1319Ser)

Genes: COL18A1 (collagen type XVIII alpha 1 chain; plus strand), SLC19A1 (solute carrier family 19 member 1; minus strand). Cytogenetic location: 21q22.3.
Variant type: single nucleotide variant.
Coding change: c.3955G>T on transcript NM_001379500.1 (MANE Select); coding-DNA position 3955, G replaced by T.
Protein change: p.Ala1319Ser; replaces alanine 1319 with serine.
Molecular consequence: missense variant.
Genome position (GRCh38, 1-based): chr21:45,512,333, G>T. VCF-style: chr21-45512333-G-T. GRCh37 (hg19) VCF-style: chr21-46932247-G-T.
Other names: c.4486G>T, p.Ala1496Ser (NM_030582.4); c.5191G>T, p.Ala1731Ser (NM_130444.3); short protein forms A1319S, A1496S, A1731S.
Identifiers: ClinVar variation 3233684 (VCV003233684.2), dbSNP rs766483637, ClinGen allele CA410502384.